The following is an entry in ClinVar:

ClinVar aggregate classification (germline): Likely pathogenic. Review status: criteria provided, multiple submitters, no conflicts (2 of 4 stars). 2 submissions from 2 submitters: Likely pathogenic (2). Last evaluated 2024-03-04.

Conditions:
Tricho-oculo-dermo-vertebral syndrome. Also called: ALVES SYNDROME; TODV SYNDROME; TRICHOOCULODERMOVERTEBRAL SYNDROME; Arthrogryposis and ectodermal dysplasia. Identifiers: Orphanet 3354, MedGen C1866427, MONDO:0011131, OMIM 601701.

Allele frequency attached by ClinVar (database versions not stated): TOPMed 0.00001.
gnomAD v4.1: 1 of 1,596,538 alleles (0.000063%); highest among the groups gnomAD compares: African/African-American, 0.0013%; no homozygotes.

Submissions (2):

Labcorp Genetics (formerly Invitae), Labcorp
Classification: Likely pathogenic. Last evaluated: 2024-03-04. Review status: criteria provided, single submitter. Criteria: Invitae Variant Classification Sherloc (09022015). Collection method: clinical testing. Allele origin: germline.
Comment: This sequence change affects a donor splice site in intron 16 of the OTOF gene. It is expected to disrupt RNA splicing. Variants that disrupt the donor or acceptor splice site typically lead to a loss of protein function (PMID: 16199547), and loss-of-function variants in OTOF are known to be pathogenic (PMID: 18381613, 19250381, 22575033). This variant is not present in population databases (gnomAD no frequency). Disruption of this splice site has been observed in individual(s) with hearing loss (PMID: 36633841). ClinVar contains an entry for this variant (Variation ID: 2445637). Algorithms developed to predict the effect of sequence changes on RNA splicing suggest that this variant may disrupt the consensus splice site. In summary, the currently available evidence indicates that the variant is pathogenic, but additional data are needed to prove that conclusively. Therefore, this variant has been classified as Likely Pathogenic.

King Laboratory, University of Washington
Classification: Likely pathogenic for Tricho-oculo-dermo-vertebral syndrome. Last evaluated: 2023-02-28. Review status: criteria provided, single submitter. Criteria: Li et al. (Genet Med. 2022). Collection method: research. Allele origin: unknown. Affected: yes.
Comment: This variant occurred in compound heterozygosity with another OTOF splice variant in an individual with bilateral sensorineural hearing loss of onset <18 years, in a study of pediatric hearing loss conducted by the King Laboratory (Carlson RJ et al. JAMA-OtoHNS 2023). This variant is a single base pair substitution that is predicted to alter splicing. At the donor splice of OTOF exon 16, the sequence change is TAG|gtgagt > TAGctgagt, NNSPLICE is 0.99 and 0.00 and MaxEnt is 8.83 and 0.56 for wildtype and mutant sequences, respectively. In OTOF intron 16, a cryptic splice donor is predicted at chr2:26,703,036 (c.1912+35) with sequence TAG|gtgagt, NNSPLICE 0.99, and MaxEnt 8.83. Potential consequences of altered splicing are (a) skipping of OTOF exon 16 resulting in a 109bp message deletion and premature stop at codon 629 of 1998, and (b) cryptic donor splice in OTOF intron 16 resulting in a message insertion of 34bp and premature stop at codon 656. As of January 2023, this variant has not been reported to ClinVar and is not found on gnomAD. Based on the prediction that this variant leads to a splicing error and a truncated protein, compound heterozygosity with a loss-of-function variant, and goodness of fit of genotype to phenotype, we conclude that this variant is likely pathogenic.

Literature cited by the submitters: PubMed 16199547 (cited by Labcorp Genetics (formerly Invitae), Labcorp); PubMed 18381613 (cited by Labcorp Genetics (formerly Invitae), Labcorp); PubMed 19250381 (cited by Labcorp Genetics (formerly Invitae), Labcorp); PubMed 22575033 (cited by Labcorp Genetics (formerly Invitae), Labcorp); PubMed 36633841 (cited by Labcorp Genetics (formerly Invitae), Labcorp and King Laboratory, University of Washington).

NM_194248.3(OTOF):c.1912+1G>C

Gene: OTOF (otoferlin; minus strand). Cytogenetic location: 2p23.3.
Variant type: single nucleotide variant.
Coding change: c.1912+1G>C on transcript NM_194248.3 (MANE Select); the canonical splice donor site of the intron after coding-DNA position 1912, G replaced by C.
Molecular consequence: splice donor variant.
Genome position (GRCh38, 1-based): chr2:26,480,202, C>G on the plus strand (G>C on the coding strand, the complement: OTOF is on the minus strand). VCF-style: chr2-26480202-C-G. GRCh37 (hg19) VCF-style: chr2-26703070-C-G.
Other names: c.1912+1G>C (NM_001287489.2).
Identifiers: ClinVar variation 2445637 (VCV002445637.4), dbSNP rs1477293410, ClinGen allele CA346131614.